The following is an entry in ClinVar:

ClinVar aggregate classification (germline): Pathogenic/Likely pathogenic. Review status: criteria provided, multiple submitters, no conflicts (2 of 4 stars). 4 submissions from 4 submitters: Pathogenic (2); Likely pathogenic (1). 1 of the submissions does not count toward it. Last evaluated 2024-06-07.

Conditions:
Mucopolysaccharidosis, MPS-II (MPS2). Also called: Mucopolysaccharidosis with skin involvement; Mucopolysaccharidosis type 2; Mucopolysaccharidosis Type II; SIDS deficiency; IDS deficiency; Sulfoiduronate sulfatase deficiency. Identifiers: Orphanet 580, Orphanet 79388, MedGen C0026705, MONDO:0010674, OMIM 309900.

Submissions (4):

Laboratory of Diagnosis and Therapy of Lysosomal Disorders, University of Padova
Classification: Likely pathogenic for Mucopolysaccharidosis, MPS-II. Last evaluated: 2024-06-07. Review status: criteria provided, single submitter. Criteria: ACMG Guidelines, 2015. Collection method: literature only. Allele origin: germline. Affected: yes. Observed: 6 variant alleles.
Comment: Null variant (PVS1_Strong), Prevalence of the variant significantly increased in affected individuals compared with controls (PS4_Supporting), Absent from controls (or at low frequency) in gnomAD database (PM2_Moderate), Patient’s phenotype or family history highly specific for the disease (PP4_Moderate)

Classification method: ACMG Guidelines [PMID:25741868] with modifications

Labcorp Genetics (formerly Invitae), Labcorp
Classification: Pathogenic for Mucopolysaccharidosis, MPS-II. Last evaluated: 2021-10-23. Review status: criteria provided, single submitter. Criteria: Invitae Variant Classification Sherloc (09022015). Collection method: clinical testing. Allele origin: germline.
Comment: This sequence change creates a premature translational stop signal (p.Trp475*) in the IDS gene. While this is not anticipated to result in nonsense mediated decay, it is expected to disrupt the last 76 amino acid(s) of the IDS protein. For these reasons, this variant has been classified as Pathogenic. This variant disrupts a region of the IDS protein in which other variant(s) (p.Leu530Phefs*8) have been determined to be pathogenic (PMID: 7581397, 17284421; external communication). This suggests that this is a clinically significant region of the protein, and that variants that disrupt it are likely to be disease-causing. ClinVar contains an entry for this variant (Variation ID: 10495). This premature translational stop signal has been observed in individual(s) with Hunter syndrome (PMID: 1303211). This variant is not present in population databases (gnomAD no frequency).

Department of Medical Genetics, Sanjay Gandhi Post Graduate Institute of Medical Sciences
Classification: Pathogenic for Mucopolysaccharidosis, MPS-II. Review status: criteria provided, single submitter. Criteria: ACMG Guidelines, 2015. Collection method: clinical testing. Allele origin: germline. Inheritance: X-linked recessive inheritance. Affected: yes. Observed: 1 variant allele, 1 hemizygote.

OMIM
Classification: Pathogenic for MUCOPOLYSACCHARIDOSIS, TYPE II. Last evaluated: 1992-08-01. Review status: no assertion criteria provided. Collection method: literature only. Allele origin: germline. Not counted in ClinVar's aggregate classification.

Literature cited by the submitters: PubMed 35144014 (cited by Laboratory of Diagnosis and Therapy of Lysosomal Disorders, University of Padova); PubMed 10215411 (cited by Laboratory of Diagnosis and Therapy of Lysosomal Disorders, University of Padova); PubMed 1303211 (cited by 3 submitters); PubMed 8281149 (cited by Laboratory of Diagnosis and Therapy of Lysosomal Disorders, University of Padova); PubMed 8111411 (cited by Laboratory of Diagnosis and Therapy of Lysosomal Disorders, University of Padova); PubMed 7887413 (cited by Laboratory of Diagnosis and Therapy of Lysosomal Disorders, University of Padova); PubMed 36713083 (cited by Laboratory of Diagnosis and Therapy of Lysosomal Disorders, University of Padova); PubMed 7581397 (cited by Labcorp Genetics (formerly Invitae), Labcorp); PubMed 17284421 (cited by Labcorp Genetics (formerly Invitae), Labcorp).

NM_000202.8(IDS):c.1425G>A (p.Trp475Ter)

Gene: IDS (iduronate 2-sulfatase; minus strand). Cytogenetic location: Xq28.
Variant type: single nucleotide variant.
Coding change: c.1425G>A on transcript NM_000202.8 (MANE Select); coding-DNA position 1425, G replaced by A.
Protein change: p.Trp475Ter; replaces tryptophan 475 with a stop codon.
Molecular consequence: nonsense.
Genome position (GRCh38, 1-based): chrX:149,482,974, C>T on the plus strand (G>A on the coding strand, the complement: IDS is on the minus strand). VCF-style: chrX-149482974-C-T. GRCh37 (hg19) VCF-style: chrX-148564505-C-T.
Other names: c.1155G>A, p.Trp385Ter (NM_001166550.4); short protein forms W475*, W385*.
Identifiers: ClinVar variation 10495 (VCV000010495.9), dbSNP rs199422230, ClinGen allele CA255276.